The following is an entry in ClinVar:

NM_018180.3(DHX32):c.1389T>G (p.Asp463Glu)

Genes: BCCIP (BRCA2 and CDKN1A interacting protein; plus strand), DHX32 (DEAH-box helicase 32 (putative); minus strand). Cytogenetic location: 10q26.2.
Variant type: single nucleotide variant.
Coding change: c.1389T>G on transcript NM_018180.3 (MANE Select); coding-DNA position 1389, T replaced by G.
Protein change: p.Asp463Glu; replaces aspartic acid 463 with glutamic acid.
Molecular consequence: missense variant. On other transcripts: 3 prime UTR variant (1), intron variant (1).
Genome position (GRCh38, 1-based): chr10:125,841,897, A>C on the plus strand (T>G on the coding strand, the complement: DHX32 is on the minus strand). VCF-style: chr10-125841897-A-C. GRCh37 (hg19) VCF-style: chr10-127530466-A-C.
Other names: c.*538A>C (NM_078469.3); c.850+567A>C (NM_016567.4); short protein forms D463E.
Identifiers: ClinVar variation 1905038 (VCV001905038.4), dbSNP rs1253713762, ClinGen allele CA378674364.
Genomic context (GRCh38, chr10:125,841,897, plus strand): 5'-CTCTGACATGATGATTCCAAATTCAGAAAGATTTCCATCATTATCCAGTGCTGCCAGATA[A>C]TCTAAGTCTTCCAATGCCTGCATCAAACTTTCTGGTGCTAGGAAAGGAAAAAAATAATAA-3'
Protein context (NP_060650.2, residues 453-473): ESLMQALEDL[Asp463Glu]YLAALDNDGN

ClinVar aggregate classification (germline): Uncertain significance (1 of 4 stars; one submission).

Allele frequency attached by ClinVar (database versions not stated): TOPMed below 0.00001; gnomAD exomes below 0.00001; gnomAD 0.00001.
gnomAD v4.1: 5 of 1,606,504 alleles (0.00031%); highest among the groups gnomAD compares: Non-Finnish European, 0.00042%; no homozygotes.

Submission:

Labcorp Genetics (formerly Invitae), Labcorp
Classification: Uncertain significance. Last evaluated: 2024-10-23. Review status: criteria provided, single submitter. Criteria: Invitae Variant Classification Sherloc (09022015). Collection method: clinical testing. Allele origin: germline.
Comment: This sequence change replaces aspartic acid, which is acidic and polar, with glutamic acid, which is acidic and polar, at codon 463 of the DHX32 protein (p.Asp463Glu). This variant is present in population databases (no rsID available, gnomAD 0.007%). This variant has not been reported in the literature in individuals affected with DHX32-related conditions. ClinVar contains an entry for this variant (Variation ID: 1905038). An algorithm developed to predict the effect of missense changes on protein structure and function (PolyPhen-2) suggests that this variant is likely to be disruptive. In summary, the available evidence is currently insufficient to determine the role of this variant in disease. Therefore, it has been classified as a Variant of Uncertain Significance.